The following is an entry in ClinVar:

NM_000439.5(PCSK1):c.54T>G (p.Ala18=)

Genes: CAST (calpastatin; plus strand), PCSK1 (proprotein convertase subtilisin/kexin type 1; minus strand), LOC101929710 (uncharacterized LOC101929710; plus strand). Cytogenetic location: 5q15.
Variant type: single nucleotide variant.
Coding change: c.54T>G on transcript NM_000439.5 (MANE Select); coding-DNA position 54, T replaced by G.
Protein change: p.Ala18=; no amino-acid change (alanine 18 retained).
Molecular consequence: synonymous variant. On other transcripts: intron variant (11).
Genome position (GRCh38, 1-based): chr5:96,432,989, A>C on the plus strand (T>G on the coding strand, the complement: PCSK1 is on the minus strand). VCF-style: chr5-96432989-A-C. GRCh37 (hg19) VCF-style: chr5-95768693-A-C.
Other names: c.-175+53337A>C (NM_001423252.1, NM_001423257.1, NM_001423260.1 and 6 more transcripts); c.-103+53337A>C (NM_001423253.1); c.-40+53337A>C (NM_001423258.1).
Identifiers: ClinVar variation 3348156 (VCV003348156.1).

ClinVar aggregate classification (germline): Likely benign (0 of 4 stars; one submission).

Conditions:
PCSK1-related disorder. Also called: PCSK1-related condition.

gnomAD v4.1: 3 of 1,614,210 alleles (0.00019%); highest among the groups gnomAD compares: Non-Finnish European, 0.00017%; no homozygotes.

Submission:

PreventionGenetics, part of Exact Sciences
Classification: Likely benign for PCSK1-related condition. Last evaluated: 2023-11-16. Review status: no assertion criteria provided. Collection method: clinical testing. Allele origin: germline.
Comment: This variant is classified as likely benign based on ACMG/AMP sequence variant interpretation guidelines (Richards et al. 2015 PMID: 25741868, with internal and published modifications).